The following is an entry in ClinVar:

NM_006506.5(RASA2):c.1369C>T (p.Arg457Cys)

Gene: RASA2 (RAS p21 protein activator 2; plus strand). Cytogenetic location: 3q23.
Variant type: single nucleotide variant.
Coding change: c.1369C>T on transcript NM_006506.5 (MANE Select); coding-DNA position 1369, C replaced by T.
Protein change: p.Arg457Cys; replaces arginine 457 with cysteine.
Molecular consequence: missense variant.
Genome position (GRCh38, 1-based): chr3:141,573,953, C>T. VCF-style: chr3-141573953-C-T. GRCh37 (hg19) VCF-style: chr3-141292795-C-T.
Other names: c.1369C>T, p.Arg457Cys (NM_001303245.3, NM_001303246.3); short protein forms R457C.
Identifiers: ClinVar variation 3312834 (VCV003312834.2).

ClinVar aggregate classification (germline): Uncertain significance. Review status: criteria provided, multiple submitters, no conflicts (2 of 4 stars). 2 submissions from 2 submitters: Uncertain significance (2). Last evaluated 2025-07-09.

gnomAD v4.1: 15 of 1,579,848 alleles (0.00095%); highest among the groups gnomAD compares: East Asian, 0.0046%; no homozygotes.

Submissions (2):

Labcorp Genetics (formerly Invitae), Labcorp
Classification: Uncertain significance. Last evaluated: 2025-07-09. Review status: criteria provided, single submitter. Criteria: Invitae Variant Classification Sherloc (09022015). Collection method: clinical testing. Allele origin: germline.
Comment: This sequence change replaces arginine, which is basic and polar, with cysteine, which is neutral and slightly polar, at codon 457 of the RASA2 protein (p.Arg457Cys). The frequency data for this variant in the population databases is considered unreliable, as metrics indicate poor data quality at this position in the gnomAD database. This variant has not been reported in the literature in individuals affected with RASA2-related conditions. ClinVar contains an entry for this variant (Variation ID: 3312834). Invitae Evidence Modeling of protein sequence and biophysical properties (such as structural, functional, and spatial information, amino acid conservation, physicochemical variation, residue mobility, and thermodynamic stability) indicates that this missense variant is not expected to disrupt RASA2 protein function with a negative predictive value of 80%. Algorithms developed to predict the effect of sequence changes on RNA splicing suggest that this variant may disrupt the consensus splice site. In summary, the available evidence is currently insufficient to determine the role of this variant in disease. Therefore, it has been classified as a Variant of Uncertain Significance.

Ambry Genetics
Classification: Uncertain significance. Last evaluated: 2024-06-11. Review status: criteria provided, single submitter. Criteria: Ambry Variant Classification Scheme 2023. Collection method: clinical testing. Allele origin: germline.
Comment: The p.R457C variant (also known as c.1369C>T), located in coding exon 14 of the RASA2 gene, results from a C to T substitution at nucleotide position 1369. The arginine at codon 457 is replaced by cysteine, an amino acid with highly dissimilar properties. This amino acid position is conserved. In addition, the in silico prediction for this alteration is inconclusive. Based on the available evidence, the clinical significance of this variant remains unclear.